The following is an entry in ClinVar:

ClinVar aggregate classification (germline): Uncertain significance (1 of 4 stars; one submission).

Conditions:
Temtamy syndrome (TEMTYS). Also called: MENTAL RETARDATION WITH OR WITHOUT CRANIOFACIAL DYSMORPHISM, OCULAR COLOBOMA, OR ABNORMAL CORPUS CALLOSUM. Identifiers: Orphanet 1777, MedGen C1857512, MONDO:0009033, OMIM 218340.

gnomAD v4.1: 4 of 1,614,228 alleles (0.00025%); highest among the groups gnomAD compares: East Asian, 0.0067%; no homozygotes.

Submission:

Labcorp Genetics (formerly Invitae), Labcorp
Classification: Uncertain significance for Temtamy syndrome. Last evaluated: 2021-09-01. Review status: criteria provided, single submitter. Criteria: Invitae Variant Classification Sherloc (09022015). Collection method: clinical testing. Allele origin: germline.
Comment: This sequence change replaces alanine with proline at codon 4 of the C12orf57 protein (p.Ala4Pro). The alanine residue is highly conserved and there is a small physicochemical difference between alanine and proline. This variant is present in population databases (rs367876099, ExAC 0.01%). This variant has not been reported in the literature in individuals affected with C12orf57-related conditions. Algorithms developed to predict the effect of missense changes on protein structure and function (SIFT, PolyPhen-2, Align-GVGD) all suggest that this variant is likely to be tolerated. In summary, the available evidence is currently insufficient to determine the role of this variant in disease. Therefore, it has been classified as a Variant of Uncertain Significance.

NM_138425.4(C12orf57):c.10G>C (p.Ala4Pro)

Gene: C12orf57 (chromosome 12 open reading frame 57; plus strand). Cytogenetic location: 12p13.31.
Variant type: single nucleotide variant.
Coding change: c.10G>C on transcript NM_138425.4 (MANE Select); coding-DNA position 10, G replaced by C.
Protein change: p.Ala4Pro; replaces alanine 4 with proline.
Molecular consequence: missense variant. On other transcripts: 5 prime UTR variant (1), non-coding transcript variant (1), intron variant (1).
Genome position (GRCh38, 1-based): chr12:6,944,131, G>C. VCF-style: chr12-6944131-G-C. GRCh37 (hg19) VCF-style: chr12-7053294-G-C.
Other names: c.10G>C, p.Ala4Pro (NM_001301834.1, NM_001301837.2); c.-192G>C (NM_001301838.2); c.14-345G>C (NM_001301836.2); short protein forms A4P.
Identifiers: ClinVar variation 1038571 (VCV001038571.6), dbSNP rs367876099, ClinGen allele CA6421167.